The following is an entry in ClinVar:

NM_015506.3(MMACHC):c.271dup (p.Arg91fs)

Gene: MMACHC (metabolism of cobalamin associated C; plus strand). Cytogenetic location: 1p34.1.
Variant type: Duplication.
Coding change: c.271dup on transcript NM_015506.3 (MANE Select); coding-DNA position 271, one base duplicated (A; older notation c.271dupA).
Protein change: p.Arg91fs; shifts the reading frame from arginine 91.
Molecular consequence: frameshift variant.
Genome position (GRCh38, 1-based): chr1:45,507,545, A duplicated. VCF-style (leftmost placement, unchanged base first): chr1-45507544-T-TA. GRCh37 (hg19) VCF-style: chr1-45973216-T-TA.
Other names: c.271dupA (NM_015506.3); c.100dup, p.Arg34fs (NM_001330540.2); c.270_271insA (NM_015506.3); short protein forms R91fs, R34fs.
Identifiers: ClinVar variation 1421 (VCV000001421.124), dbSNP rs398124292, ClinGen allele CA090937.

ClinVar aggregate classification (germline): Pathogenic/Likely pathogenic. Review status: criteria provided, multiple submitters, no conflicts (2 of 4 stars). 56 submissions from 54 submitters: Pathogenic (45); Likely pathogenic (1). 10 of the submissions do not count toward it. Last evaluated 2026-06-12.

Conditions:
Methylmalonic aciduria and homocystinuria. Also called: Methylmalonic acidemia and homocystinemia. Identifiers: Orphanet 26, MedGen C5848324, MONDO:0016826.
METHYLMALONIC ACIDURIA AND HOMOCYSTINURIA, cblC TYPE, DIGENIC. Identifiers: MedGen C4693974, OMIM 277400.
MMACHC-related disorder. Also called: MMACHC-related condition.
Disorders of Intracellular Cobalamin Metabolism. Identifiers: MedGen CN043592.
Inborn genetic diseases. Identifiers: MedGen C0950123, MeSH D030342.
Atypical hemolytic-uremic syndrome. Identifiers: Orphanet 2134, MedGen C2931788, MONDO:0016244.
Cobalamin C disease. Also called: Methylmalonic aciduria and homocystinuria, Vitamin B12-responsive; Vitamin B12 metabolic defect with combined deficiency of methylmalonyl-CoA mutase and homocysteine:methyltetrahydrofolate methyltransferase; Methylmalonic aciduria with homocystinuria cblC type; Cobalamin-C methylmalonic acidemia and homocystinuria; Methylmalonic acidemia and homocystinuria cblC type; methylmalonic aciduria and homocystinuria type cblC. Identifiers: Orphanet 26, Orphanet 79282, MedGen C1848561, MONDO:0010184, OMIM 277400.

Allele frequency attached by ClinVar (database versions not stated): gnomAD 0.00093 and 0.00096; TOPMed 0.00111; ESP Exome Variant Server 0.00116; gnomAD exomes 0.00116 and 0.00103; 1000 Genomes Project 30x 0.00078; 1000 Genomes Project 0.00100; ExAC 0.00110.

Submissions 1 to 18 of 56:

PreventionGenetics, part of Exact Sciences
Classification: Pathogenic for MMACHC-related condition. Last evaluated: 2026-06-12. Review status: criteria provided, single submitter. Criteria: ACMG Guidelines, 2015. Collection method: clinical testing. Allele origin: germline.
Comment: The MMACHC c.271dupA variant is predicted to result in a frameshift and premature protein termination (p.Arg91Lysfs*14). This variant is one of the most common pathogenic variants causative for methylmalonic acidemia and homocystinuria, cblC type (cblC) and has been reported in the homozygous and compound heterozygous state in numerous individuals with cblC (Lerner-Ellis et al. 2006. PubMed ID: 16311595; Fischer et al. 2014. PubMed ID: 24599607; Olivieri et al. 2025. PubMed ID: 39152755). It is consistently interpreted as pathogenic in ClinVar (Variation ID: 1421). This variant is reported in 0.28% of alleles in individuals of Ashkenazi Jewish descent in gnomAD. This variant is interpreted as pathogenic.

CeGaT Center for Human Genetics Tuebingen
Classification: Pathogenic. Last evaluated: 2026-06-01. Review status: criteria provided, single submitter. Criteria: CeGaT Center For Human Genetics Tuebingen Variant Classification Criteria Version 2. Collection method: clinical testing. Allele origin: germline. Affected: yes. Observed: 10 variant alleles.
Comment: MMACHC: PM3:Very Strong, PVS1, PM2:Supporting

OLLIN Analises Genomicas, OLLIN
Classification: Pathogenic for Cobalamin C disease. Last evaluated: 2026-02-13. Review status: criteria provided, single submitter. Criteria: ACMG Guidelines 2015 PMID 25741868. Collection method: clinical testing. Allele origin: germline. Observed: 1 variant allele.
Comment: PVS1, PS3_P, PM3_S, PM2_P

Otogenetics
Classification: Pathogenic for Cobalamin C disease. Last evaluated: 2026-02-01. Review status: criteria provided, single submitter. Criteria: ACMG Guidelines, 2015. Collection method: clinical testing. Allele origin: germline.

Labcorp Genetics (formerly Invitae), Labcorp
Classification: Pathogenic for Cobalamin C disease. Last evaluated: 2026-01-28. Review status: criteria provided, single submitter. Criteria: Invitae Variant Classification Sherloc (09022015). Collection method: clinical testing. Allele origin: germline.
Comment: This sequence change creates a premature translational stop signal (p.Arg91Lysfs*14) in the MMACHC gene. It is expected to result in an absent or disrupted protein product. Loss-of-function variants in MMACHC are known to be pathogenic (PMID: 16311595). This variant is present in population databases (rs543840147, gnomAD 0.2%), and has an allele count higher than expected for a pathogenic variant. This premature translational stop signal has been observed in individual(s) with early onset cobalamin C deficiency (PMID: 16311595, 19760748, 20631720, 24599607, 25894566). ClinVar contains an entry for this variant (Variation ID: 1421). For these reasons, this variant has been classified as Pathogenic.

3billion
Classification: Pathogenic for Cobalamin C disease. Last evaluated: 2026-01-15. Review status: criteria provided, single submitter. Criteria: ACMG Guidelines, 2015. Collection method: clinical testing. Allele origin: germline. Affected: yes.
Comment: The variant is observed at an extremely low frequency in the gnomAD v4.1.0 dataset (total allele frequency: 0.103%). Predicted Consequence/Location: Frameshift: predicted to result in a loss or disruption of normal protein function through nonsense-mediated decay (NMD) or protein truncation. Multiple pathogenic variants are reported downstream of the variant. The variant has been reported at least twice as pathogenic with clinical assertions and evidence for the classification (ClinVar ID: VCV000001421 /PMID: 16311595 /3billion dataset). Therefore, this variant is classified as Pathogenic according to the recommendation of ACMG/AMP guideline.

Natera, Inc.
Classification: Pathogenic for Methylmalonic aciduria and homocystinuria cblC type. Last evaluated: 2025-12-17. Review status: criteria provided, single submitter. Criteria: Natera Variant Classification Schema (03/2026). Collection method: clinical testing. Allele origin: germline.
Comment: The c.271dupA variant in MMACHC is a frameshift variant predicted to shift the reading frame beginning at codon 91 and leads to a stop codon 14 codons downstream. This variant is expected to result in nonsense mediated decay, truncation, or a dysfunctional protein product. This variant has been observed in one or more individuals affected with the associated recessive disease, as either homozygous or compound heterozygous with a second variant (PMID: 16311595). Given the available evidence, this variant is classified as Pathogenic.

First Genomix Gene Laboratory, Genetic Diagnostics Department
Classification: Pathogenic for Cobalamin C disease. Last evaluated: 2025-08-07. Review status: criteria provided, single submitter. Criteria: ACMG Guidelines, 2015. Collection method: clinical testing. Allele origin: germline. Inheritance: Autosomal recessive inheritance. Affected: no. Observed: 1 variant allele.

Mayo Clinic Laboratories, Mayo Clinic
Classification: Pathogenic. Last evaluated: 2025-03-31. Review status: criteria provided, single submitter. Criteria: ACMG Guidelines, 2015. Collection method: clinical testing. Allele origin: germline. Observed: 7 variant alleles.
Comment: PM3_very_strong, PS3, PVS1

Variantyx, Inc.
Classification: Pathogenic for Cobalamin C disease. Last evaluated: 2025-03-18. Review status: criteria provided, single submitter. Criteria: Variantyx Assertion Criteria 2022. Collection method: clinical testing. Allele origin: germline.
Comment: This is a frameshift variant in the MMACHC gene (OMIM: 609831). Pathogenic variants in this gene have been associated with autosomal recessive combined methylmalonic aciduria and homocystinuria type cblC. This variant introduces a premature termination codon in exon 2 out of 4. It is expected to result in loss of function, which is a known disease mechanism for MMACHC in this disorder (PMID: 16311595) (PVS1). This variant has been reported in the homozygous or compound heterozygous state in many unrelated affected individuals (PMID: 36338977, 16311595) (PM3_Very_Strong). This variant has a 0.1666% maximum allele frequency in non-founder control populations. Based on the current evidence, this variant is classified as pathogenic for autosomal recessive combined methylmalonic aciduria and homocystinuria type cblC.

Laboratory of Genetics, Children's Clinical University Hospital Latvia
Classification: Pathogenic. Last evaluated: 2025-02-16. Review status: criteria provided, single submitter. Criteria: ACMG Guidelines, 2015. Collection method: clinical testing. Allele origin: germline. Affected: yes.

Blueprint Genetics
Classification: Pathogenic for MMACHC-related disorders. Last evaluated: 2024-11-14. Review status: criteria provided, single submitter. Criteria: ACMG Guidelines, 2015. Collection method: clinical testing. Allele origin: germline. Affected: yes. Observed: 5 variant alleles.

Revvity Omics, Revvity
Classification: Pathogenic for Cobalamin C disease. Last evaluated: 2024-10-17. Review status: criteria provided, single submitter. Criteria: ACMG Guidelines, 2015. Collection method: clinical testing. Allele origin: germline.

Dubai Health Genomic Medicine Center, Dubai Health
Classification: Pathogenic for Methylmalonic aciduria and homocystinuria. Last evaluated: 2024-10-04. Review status: criteria provided, single submitter. Criteria: ACMG Guidelines, 2015. Collection method: research. Allele origin: germline. Affected: yes.
Comment: PVS1,PS3,PM3,PM2,PP4

Centre of Medical Genetics, University Hospital Muenster
Classification: Pathogenic. Last evaluated: 2024-09-25. Review status: criteria provided, single submitter. Criteria: ACMG Guidelines, 2015. Collection method: clinical testing. Allele origin: unknown. Affected: yes. Observed: 1 variant allele, 1 heterozygote.
Comment: ACMG categories: PVS1,PS3,PS4,PM3

Genomic Medicine Center of Excellence, King Faisal Specialist Hospital and Research Centre
Classification: Pathogenic for Cobalamin C disease. Last evaluated: 2024-04-04. Review status: criteria provided, single submitter. Criteria: ACMG Guidelines, 2015. Collection method: clinical testing. Allele origin: germline.

Genomic Research Center, Shahid Beheshti University of Medical Sciences
Classification: Pathogenic for Cobalamin C disease. Last evaluated: 2024-02-12. Review status: criteria provided, single submitter. Criteria: ACMG Guidelines, 2015. Collection method: clinical testing. Allele origin: unknown. Affected: no. Observed: 1 variant allele.

Laboratory of Medical Genetics, National & Kapodistrian University of Athens
Classification: Pathogenic for Cobalamin C disease. Last evaluated: 2024-02-01. Review status: criteria provided, single submitter. Criteria: ACMG Guidelines, 2015. Collection method: curation. Allele origin: germline. Affected: no.